The following is an entry in ClinVar:

NC_000023.10:g.(?_32867825)_(33038337_?)dup

Gene: DMD (dystrophin; minus strand). Cytogenetic location: Xp21.1.
Variant type: Duplication.
Identifiers: ClinVar variation 3242887 (VCV003242887.1).

ClinVar aggregate classification (germline): Pathogenic (1 of 4 stars; one submission).

Conditions:
Duchenne muscular dystrophy (DMD). Also called: MUSCULAR DYSTROPHY, PSEUDOHYPERTROPHIC PROGRESSIVE, DUCHENNE TYPE; Duchenne Muscular Dystrophy (DMD). Identifiers: Orphanet 98896, MedGen C0013264, MONDO:0010679, OMIM 310200.

Submission:

Labcorp Genetics (formerly Invitae), Labcorp
Classification: Pathogenic for Duchenne muscular dystrophy. Last evaluated: 2023-10-22. Review status: criteria provided, single submitter. Criteria: Invitae Variant Classification Sherloc (09022015). Collection method: clinical testing. Allele origin: unknown.
Comment: This variant results in a copy number gain of the genomic region encompassing exon(s) 2-3 of the DMD gene. While the exact position of this variant cannot be determined from the data, sub-genic copy number gains are generally in tandem (PMID: 25640679). This variant is predicted to be out-of-frame, and may result in an absent or disrupted protein product. Loss-of-function variants in DMD are known to be pathogenic (PMID: 16770791, 25007885). A similar copy number variant has been observed in individuals with clinical features of Duchenne muscular dystrophy (PMID: 19074751; Invitae). For these reasons, this variant has been classified as Pathogenic.

Literature cited by the submitters: PubMed 25640679; PubMed 16770791; PubMed 25007885; PubMed 19074751.